The following is an entry in ClinVar:

NM_152703.5(SAMD9L):c.1285A>G (p.Ile429Val)

Gene: SAMD9L (sterile alpha motif domain containing 9 like; minus strand). Cytogenetic location: 7q21.2.
Variant type: single nucleotide variant.
Coding change: c.1285A>G on transcript NM_152703.5 (MANE Select); coding-DNA position 1285, A replaced by G.
Protein change: p.Ile429Val; replaces isoleucine 429 with valine.
Molecular consequence: missense variant.
Genome position (GRCh38, 1-based): chr7:93,134,687, T>C on the plus strand (A>G on the coding strand, the complement: SAMD9L is on the minus strand). VCF-style: chr7-93134687-T-C. GRCh37 (hg19) VCF-style: chr7-92764000-T-C.
Other names: c.1285A>G, p.Ile429Val (NM_001303496.3, NM_001303497.3, NM_001303498.3 and 5 more transcripts); short protein forms I429V.
Identifiers: ClinVar variation 2109706 (VCV002109706.4), dbSNP rs2535429761, ClinGen allele CA368197721.
Genomic context (GRCh38, chr7:93,134,687, plus strand): 5'-CAGGATCAAACTCCAACACAGCAAACCATTTAATTTCTTTTAAAAAATCTAAGTGCTTTA[T>C]TTGGTTTGGATGGCATTTATTTGTTACAAGAATGTACCAGTCATAGTATGAATTATCCAG-3'
Protein context (NP_689916.2, residues 419-439): LVTNKCHPNQ[Ile429Val]KHLDFLKEIK

ClinVar aggregate classification (germline): Uncertain significance (1 of 4 stars; one submission).

Allele frequency attached by ClinVar (database versions not stated): gnomAD exomes below 0.00001.
gnomAD v4.1: 1 of 1,613,686 alleles (0.000062%); highest among the groups gnomAD compares: East Asian, 0.0022%; no homozygotes.

Submission:

Labcorp Genetics (formerly Invitae), Labcorp
Classification: Uncertain significance. Last evaluated: 2022-08-07. Review status: criteria provided, single submitter. Criteria: Invitae Variant Classification Sherloc (09022015). Collection method: clinical testing. Allele origin: germline.
Comment: This sequence change replaces isoleucine, which is neutral and non-polar, with valine, which is neutral and non-polar, at codon 429 of the SAMD9L protein (p.Ile429Val). This variant is not present in population databases (gnomAD no frequency). This variant has not been reported in the literature in individuals affected with SAMD9L-related conditions. Algorithms developed to predict the effect of missense changes on protein structure and function are either unavailable or do not agree on the potential impact of this missense change (SIFT: "Not Available"; PolyPhen-2: "Benign"; Align-GVGD: "Not Available"). In summary, the available evidence is currently insufficient to determine the role of this variant in disease. Therefore, it has been classified as a Variant of Uncertain Significance.